The following is an entry in ClinVar:

ClinVar aggregate classification (germline): Pathogenic (1 of 4 stars; one submission).

Conditions:
Retinoblastoma (RB1). Also called: RETINOBLASTOMA, SOMATIC. Identifiers: Orphanet 790, MedGen C0035335, MeSH D012175, MONDO:0008380, OMIM 180200, HP:0009919. Disease mechanism: loss of function. Inheritance: Both sporadic and heritable forms are tested..

Submission:

Labcorp Genetics (formerly Invitae), Labcorp
Classification: Pathogenic for Retinoblastoma. Last evaluated: 2022-03-10. Review status: criteria provided, single submitter. Criteria: Invitae Variant Classification Sherloc (09022015). Collection method: clinical testing. Allele origin: germline.
Comment: For these reasons, this variant has been classified as Pathogenic. This variant has been observed in individual(s) with retinoblastoma (Invitae). This variant results in the deletion of exon 23 and part of exon 22 (c.2310_2489+1190del) of the RB1 gene. It is expected to disrupt RNA splicing. Variants that disrupt the donor or acceptor splice site typically lead to a loss of protein function (PMID: 16199547), and loss-of-function variants in RB1 are known to be pathogenic (PMID: 17096365).

Literature cited by the submitters: PubMed 16199547; PubMed 17096365.

NC_000013.10:g.(?_49039232)_(49040694_?)del

Gene: RB1 (RB transcriptional corepressor 1; plus strand). Cytogenetic location: 13q14.2.
Variant type: Deletion.
Identifiers: ClinVar variation 2422884 (VCV002422884.4).